The following is an entry in ClinVar:

NM_014714.4(IFT140):c.4380C>T (p.Asp1460=)

Gene: IFT140 (intraflagellar transport 140; minus strand). Cytogenetic location: 16p13.3.
Variant type: single nucleotide variant.
Coding change: c.4380C>T on transcript NM_014714.4 (MANE Select); coding-DNA position 4380, C replaced by T.
Protein change: p.Asp1460=; no amino-acid change (aspartic acid 1460 retained).
Molecular consequence: synonymous variant.
Genome position (GRCh38, 1-based): chr16:1,510,953, G>A on the plus strand (C>T on the coding strand, the complement: IFT140 is on the minus strand). VCF-style: chr16-1510953-G-A. GRCh37 (hg19) VCF-style: chr16-1560954-G-A.
Other names: p.Asp1460=.
Identifiers: ClinVar variation 317985 (VCV000317985.19), dbSNP rs61749517, ClinGen allele CA7812765.

ClinVar aggregate classification (germline): Benign. Review status: criteria provided, multiple submitters, no conflicts (2 of 4 stars). 5 submissions from 5 submitters: Benign (5). Last evaluated 2026-02-02.

Conditions:
Saldino-Mainzer syndrome (SRTD9). Also called: Renal dysplasia, retinal pigmentary dystrophy, cerebellar ataxia and skeletal dysplasia; SHORT-RIB THORACIC DYSPLASIA 9 WITHOUT POLYDACTYLY; CONORENAL SYNDROME; short-rib thoracic dysplasia 9 with or without polydactyly. Identifiers: Orphanet 140969, MedGen C1849437, MONDO:0009964, OMIM 266920.

Allele frequency attached by ClinVar (database versions not stated): gnomAD exomes 0.00203 and 0.00509; ExAC 0.00727; 1000 Genomes Project 0.01817; 1000 Genomes Project 30x 0.02061; gnomAD 0.02074 and 0.02245; TOPMed 0.02343; ESP Exome Variant Server 0.02386.
gnomAD v4.1: 6,212 of 1,611,318 alleles (0.39%); highest among the groups gnomAD compares: African/African-American, 7.3%; 219 homozygotes.

Submissions (5):

Labcorp Genetics (formerly Invitae), Labcorp
Classification: Benign for Saldino-Mainzer syndrome. Last evaluated: 2026-02-02. Review status: criteria provided, single submitter. Criteria: Invitae Variant Classification Sherloc (09022015). Collection method: clinical testing. Allele origin: germline.

Mayo Clinic Laboratories, Mayo Clinic
Classification: Benign. Last evaluated: 2023-09-22. Review status: criteria provided, single submitter. Criteria: ACMG Guidelines, 2015. Collection method: clinical testing. Allele origin: germline. Observed: 4 variant alleles.

GeneDx
Classification: Benign. Last evaluated: 2021-05-06. Review status: criteria provided, single submitter. Criteria: GeneDx Variant Classification Process June 2021. Collection method: clinical testing. Allele origin: germline. Affected: yes.

Illumina Laboratory Services, Illumina
Classification: Benign for Saldino-Mainzer syndrome. Last evaluated: 2018-01-12. Review status: criteria provided, single submitter. Criteria: ICSL Variant Classification Criteria 13 December 2019. Collection method: clinical testing. Allele origin: germline.
Comment: This variant was observed in the ICSL laboratory as part of a predisposition screen in an ostensibly healthy population. It had not been previously curated by ICSL or reported in the Human Gene Mutation Database (HGMD: prior to June 1st, 2018), and was therefore a candidate for classification through an automated scoring system. Utilizing variant allele frequency, disease prevalence and penetrance estimates, and inheritance mode, an automated score was calculated to assess if this variant is too frequent to cause the disease. Based on the score and internal cut-off values, a variant classified as benign is not then subjected to further curation. The score for this variant resulted in a classification of benign for this disease.

Breakthrough Genomics
Classification: Benign. Review status: criteria provided, single submitter. Criteria: ACMG Guidelines, 2015. Collection method: not provided. Allele origin: germline. Inheritance: Autosomal recessive inheritance. Affected: yes.